The following is an entry in ClinVar:

NM_198576.4(AGRN):c.4453G>A (p.Asp1485Asn)

Gene: AGRN (agrin; plus strand). Cytogenetic location: 1p36.33.
Variant type: single nucleotide variant.
Coding change: c.4453G>A on transcript NM_198576.4 (MANE Select); coding-DNA position 4453, G replaced by A.
Protein change: p.Asp1485Asn; replaces aspartic acid 1485 with asparagine.
Molecular consequence: missense variant.
Genome position (GRCh38, 1-based): chr1:1,049,390, G>A. VCF-style: chr1-1049390-G-A. GRCh37 (hg19) VCF-style: chr1-984770-G-A.
Other names: c.4453G>A (NM_198576.3); c.4453G>A, p.Asp1485Asn (NM_001305275.2); c.4138G>A, p.Asp1380Asn (NM_001364727.2); short protein forms D1380N, D1485N.
Identifiers: ClinVar variation 1440606 (VCV001440606.5), dbSNP rs760184240, ClinGen allele CA509462.
Genomic context (GRCh38, chr1:1,049,390, plus strand): 5'-CGGGGCACCCTCTCGGTGGATGGTGAGACCCCTGTTCTGGGCGAGAGTCCCAGTGGCACC[G>A]ACGGCCTCAACCTGGACACAGACCTCTTTGTGGGCGGCGTACCCGAGGACCAGGCTGCCG-3'
Protein context (NP_940978.2, residues 1475-1495): PVLGESPSGT[Asp1485Asn]GLNLDTDLFV

ClinVar aggregate classification (germline): Uncertain significance. Review status: criteria provided, multiple submitters, no conflicts (2 of 4 stars). 3 submissions from 3 submitters: Uncertain significance (3). Last evaluated 2025-04-02.

Conditions:
Congenital myasthenic syndrome 8. Also called: MYASTHENIC SYNDROME, CONGENITAL, DUE TO AGRIN DEFICIENCY; Myasthenic syndrome, congenital, 8, with pre- and postsynaptic defects. Identifiers: Orphanet 590, MedGen C3808739, MONDO:0014052, OMIM 615120.
Inborn genetic diseases. Identifiers: MedGen C0950123, MeSH D030342.

Allele frequency attached by ClinVar (database versions not stated): ExAC 0.00001; gnomAD exomes 0.00001 and 0.00003; gnomAD 0.00003; TOPMed 0.00003.

Submissions (3):

GeneDx
Classification: Uncertain significance. Last evaluated: 2025-04-02. Review status: criteria provided, single submitter. Criteria: GeneDx Variant Classification Process June 2021. Collection method: clinical testing. Allele origin: germline. Affected: yes.
Comment: Not observed at significant frequency in large population cohorts (gnomAD); In silico analysis indicates that this missense variant does not alter protein structure/function; Has not been previously published as pathogenic or benign to our knowledge

Ambry Genetics
Classification: Uncertain significance for Inborn genetic diseases. Last evaluated: 2025-03-08. Review status: criteria provided, single submitter. Criteria: Ambry Variant Classification Scheme 2023. Collection method: clinical testing. Allele origin: germline.

Labcorp Genetics (formerly Invitae), Labcorp
Classification: Uncertain significance for Congenital myasthenic syndrome 8. Last evaluated: 2022-08-16. Review status: criteria provided, single submitter. Criteria: Invitae Variant Classification Sherloc (09022015). Collection method: clinical testing. Allele origin: germline.
Comment: This sequence change replaces aspartic acid, which is acidic and polar, with asparagine, which is neutral and polar, at codon 1485 of the AGRN protein (p.Asp1485Asn). This variant is present in population databases (rs760184240, gnomAD 0.01%). This variant has not been reported in the literature in individuals affected with AGRN-related conditions. ClinVar contains an entry for this variant (Variation ID: 1440606). Algorithms developed to predict the effect of missense changes on protein structure and function are either unavailable or do not agree on the potential impact of this missense change (SIFT: "Deleterious"; PolyPhen-2: "Probably Damaging"; Align-GVGD: "Class C0"). In summary, the available evidence is currently insufficient to determine the role of this variant in disease. Therefore, it has been classified as a Variant of Uncertain Significance.